The following is an entry in ClinVar:

NM_000214.3(JAG1):c.3031G>C (p.Glu1011Gln)

Gene: JAG1 (jagged canonical Notch ligand 1; minus strand). Cytogenetic location: 20p12.2.
Variant type: single nucleotide variant.
Coding change: c.3031G>C on transcript NM_000214.3 (MANE Select); coding-DNA position 3031, G replaced by C.
Protein change: p.Glu1011Gln; replaces glutamic acid 1011 with glutamine.
Molecular consequence: missense variant.
Genome position (GRCh38, 1-based): chr20:10,641,130, C>G on the plus strand (G>C on the coding strand, the complement: JAG1 is on the minus strand). VCF-style: chr20-10641130-C-G. GRCh37 (hg19) VCF-style: chr20-10621778-C-G.
Other names: short protein forms E1011Q.
Identifiers: ClinVar variation 2117729 (VCV002117729.4), dbSNP rs2514508288, ClinGen allele CA408244424.
Genomic context (GRCh38, chr20:10,641,130, plus strand): 5'-CCTTGCCATCGAATAATGAGGTGTGAATGGGTCTTATACTTACAATGGCCACATGTATTT[C>G]ATTGTTCGCTGAAGGGGAAGGCTCGCAAGCGATGTAGATTGAATATTCAGCGGAAACATT-3'
Protein context (NP_000205.1, residues 1001-1021): ACEPSPSANN[Glu1011Gln]IHVAISAEDI

ClinVar aggregate classification (germline): Uncertain significance (1 of 4 stars; one submission).

Conditions:
Alagille syndrome due to a JAG1 point mutation. Also called: Alagille Syndrome 1; HEPATIC DUCTULAR HYPOPLASIA, SYNDROMATIC; JAG1-Related Alagille Syndrome. Identifiers: Orphanet 261619, Orphanet 52, MedGen C1956125, MONDO:0016862, OMIM 118450.

Submission:

Labcorp Genetics (formerly Invitae), Labcorp
Classification: Uncertain significance for Alagille syndrome due to a JAG1 point mutation. Last evaluated: 2022-03-26. Review status: criteria provided, single submitter. Criteria: Invitae Variant Classification Sherloc (09022015). Collection method: clinical testing. Allele origin: germline.
Comment: In summary, the available evidence is currently insufficient to determine the role of this variant in disease. Therefore, it has been classified as a Variant of Uncertain Significance. Advanced modeling of protein sequence and biophysical properties (such as structural, functional, and spatial information, amino acid conservation, physicochemical variation, residue mobility, and thermodynamic stability) performed at Invitae indicates that this missense variant is not expected to disrupt JAG1 protein function. This variant has not been reported in the literature in individuals affected with JAG1-related conditions. This variant is not present in population databases (gnomAD no frequency). This sequence change replaces glutamic acid, which is acidic and polar, with glutamine, which is neutral and polar, at codon 1011 of the JAG1 protein (p.Glu1011Gln).